The following is an entry in ClinVar:

ClinVar aggregate classification (germline): Benign (0 of 4 stars; one submission).

Conditions:
ANXA1-related disorder. Also called: ANXA1-related condition.

Allele frequency attached by ClinVar (database versions not stated): TOPMed 0.00059; gnomAD 0.00073; gnomAD exomes 0.00127; ESP Exome Variant Server 0.00131; 1000 Genomes Project 0.00160; 1000 Genomes Project 30x 0.00172; ExAC 0.00189.
gnomAD v4.1: 1,890 of 1,552,992 alleles (0.12%); highest among the groups gnomAD compares: South Asian, 0.85%; 13 homozygotes.

Submission:

PreventionGenetics, part of Exact Sciences
Classification: Benign for ANXA1-related condition. Last evaluated: 2019-05-24. Review status: no assertion criteria provided. Collection method: clinical testing. Allele origin: germline.
Comment: This variant is classified as benign based on ACMG/AMP sequence variant interpretation guidelines (Richards et al. 2015 PMID: 25741868, with internal and published modifications).

NM_000700.3(ANXA1):c.384+7C>T

Gene: ANXA1 (annexin A1; plus strand). Cytogenetic location: 9q21.13.
Variant type: single nucleotide variant.
Coding change: c.384+7C>T on transcript NM_000700.3 (MANE Select); 7 bases into the intron after coding-DNA position 384, C replaced by T.
Molecular consequence: intron variant.
Genome position (GRCh38, 1-based): chr9:73,160,383, C>T. VCF-style: chr9-73160383-C-T. GRCh37 (hg19) VCF-style: chr9-75775299-C-T.
Identifiers: ClinVar variation 3038691 (VCV003038691.2), dbSNP rs368581314, ClinGen allele CA5082950.